The following is an entry in ClinVar:

ClinVar aggregate classification (germline): Uncertain significance. Review status: criteria provided, multiple submitters, no conflicts (2 of 4 stars). 3 submissions from 3 submitters: Uncertain significance (2). 1 of the submissions does not count toward it. Last evaluated 2022-07-12.

Conditions:
Neuronal ceroid lipofuscinosis. Also called: Neuronal Ceroid Lipofuscinoses. Identifiers: Orphanet 216, Orphanet 79263, MedGen C0027877, MONDO:0016295. Disease mechanism: loss of function.

Allele frequency attached by ClinVar (database versions not stated): TOPMed below 0.00001; gnomAD 0.00001; gnomAD exomes 0.00002.

Submissions (3):

Labcorp Genetics (formerly Invitae), Labcorp
Classification: Uncertain significance for Neuronal ceroid lipofuscinosis. Last evaluated: 2022-07-12. Review status: criteria provided, single submitter. Criteria: Invitae Variant Classification Sherloc (09022015). Collection method: clinical testing. Allele origin: germline.
Comment: This sequence change replaces leucine, which is neutral and non-polar, with proline, which is neutral and non-polar, at codon 25 of the CLN5 protein (p.Leu25Pro). This variant is present in population databases (no rsID available, gnomAD 0.03%). This variant has not been reported in the literature in individuals affected with CLN5-related conditions. ClinVar contains an entry for this variant (Variation ID: 527732). Algorithms developed to predict the effect of missense changes on protein structure and function are either unavailable or do not agree on the potential impact of this missense change (SIFT: "Deleterious"; PolyPhen-2: "Possibly Damaging"; Align-GVGD: "Class C0"). In summary, the available evidence is currently insufficient to determine the role of this variant in disease. Therefore, it has been classified as a Variant of Uncertain Significance.

Athena Diagnostics
Classification: Uncertain significance. Last evaluated: 2022-04-28. Review status: criteria provided, single submitter. Criteria: Athena Diagnostics Criteria. Collection method: clinical testing. Allele origin: unknown.

Natera, Inc.
Classification: Uncertain significance for Neuronal ceroid lipofuscinosis. Last evaluated: 2020-11-01. Review status: no assertion criteria provided. Collection method: clinical testing. Allele origin: germline. Not counted in ClinVar's aggregate classification.

NM_006493.4(CLN5):c.-74T>C

Gene: CLN5 (CLN5 lysosomal BMP synthase; plus strand). Cytogenetic location: 13q22.3.
Variant type: single nucleotide variant.
Coding change: c.-74T>C on transcript NM_006493.4 (MANE Select); 74 bases upstream of the start codon, T replaced by C.
Genome position (GRCh38, 1-based): chr13:76,992,025, T>C. VCF-style: chr13-76992025-T-C. GRCh37 (hg19) VCF-style: chr13-77566160-T-C.
Identifiers: ClinVar variation 527732 (VCV000527732.10), dbSNP rs1182554801, ClinGen allele CA388305887.